The following is an entry in ClinVar:

ClinVar aggregate classification (germline): Uncertain significance (0 of 4 stars; one submission).

Conditions:
SMAD6-related disease. Also called: SMAD6-related condition; SMAD6-related disorder. Identifiers: MedGen CN381596, MONDO:0700324.

Submission:

PreventionGenetics, part of Exact Sciences
Classification: Uncertain significance for SMAD6-related condition. Last evaluated: 2024-01-24. Review status: no assertion criteria provided. Collection method: clinical testing. Allele origin: germline.
Comment: The SMAD6 c.993G>T variant is predicted to result in the amino acid substitution p.Trp331Cys. To our knowledge, this variant has not been reported in the literature or in a large population database, indicating this variant is rare. At this time, the clinical significance of this variant is uncertain due to the absence of conclusive functional and genetic evidence.

NM_005585.5(SMAD6):c.993G>T (p.Trp331Cys)

Gene: SMAD6 (SMAD family member 6; plus strand). Cytogenetic location: 15q22.31.
Variant type: single nucleotide variant.
Coding change: c.993G>T on transcript NM_005585.5 (MANE Select); coding-DNA position 993, G replaced by T.
Protein change: p.Trp331Cys; replaces tryptophan 331 with cysteine.
Molecular consequence: missense variant. On other transcripts: non-coding transcript variant (1).
Genome position (GRCh38, 1-based): chr15:66,781,037, G>T. VCF-style: chr15-66781037-G-T. GRCh37 (hg19) VCF-style: chr15-67073375-G-T.
Other names: short protein forms W331C.
Identifiers: ClinVar variation 3061063 (VCV003061063.2), dbSNP rs902973487, ClinGen allele CA272023210.
Genomic context (GRCh38, chr15:66,781,037, plus strand): 5'-TCCCTGTGCTTGTCCCGCAGACGCCAGCATGTCTCCGGACGCCACCAAGCCGAGCCACTG[G>T]TGCAGCGTGGCGTACTGGGAGCACCGGACGCGCGTGGGCCGCCTCTATGCGGTGTACGAC-3'
Protein context (NP_005576.3, residues 321-341): MSPDATKPSH[Trp331Cys]CSVAYWEHRT